The following is an entry in ClinVar:

ClinVar aggregate classification (germline): Likely pathogenic (1 of 4 stars; one submission).

Conditions:
Autosomal recessive polycystic kidney disease (ARPKD). Also called: AR polycystic kidney disease. Identifiers: Orphanet 731, Orphanet 8378, MedGen C0085548, MeSH D017044, MONDO:0009889.

Submission:

Labcorp Genetics (formerly Invitae), Labcorp
Classification: Likely pathogenic for Autosomal recessive polycystic kidney disease. Last evaluated: 2019-07-01. Review status: criteria provided, single submitter. Criteria: Invitae Variant Classification Sherloc (09022015). Collection method: clinical testing. Allele origin: germline.
Comment: In summary, the currently available evidence indicates that the variant is pathogenic, but additional data are needed to prove that conclusively. Therefore, this variant has been classified as Likely Pathogenic. Donor and acceptor splice site variants typically lead to a loss of protein function (PMID: 16199547), and loss-of-function variants in PKHD1 are known to be pathogenic (PMID: 19940839). Algorithms developed to predict the effect of sequence changes on RNA splicing suggest that this variant may disrupt the consensus splice site, but this prediction has not been confirmed by published transcriptional studies. This variant has not been reported in the literature in individuals with PKHD1-related conditions. This variant is not present in population databases (ExAC no frequency). This sequence change affects a donor splice site in intron 33 of the PKHD1 gene. It is expected to disrupt RNA splicing and likely results in an absent or disrupted protein product.

Literature cited by the submitters: PubMed 16199547; PubMed 19940839.

NM_138694.4(PKHD1):c.5380+2T>G

Gene: PKHD1 (PKHD1 ciliary IPT domain containing fibrocystin/polyductin; minus strand). Cytogenetic location: 6p12.2.
Variant type: single nucleotide variant.
Coding change: c.5380+2T>G on transcript NM_138694.4 (MANE Select); the canonical splice donor site of the intron after coding-DNA position 5380, T replaced by G.
Molecular consequence: splice donor variant.
Genome position (GRCh38, 1-based): chr6:52,022,799, A>C on the plus strand (T>G on the coding strand, the complement: PKHD1 is on the minus strand). VCF-style: chr6-52022799-A-C. GRCh37 (hg19) VCF-style: chr6-51887597-A-C.
Other names: c.5380+2T>G (NM_170724.3).
Identifiers: ClinVar variation 947612 (VCV000947612.8), dbSNP rs1801591463, ClinGen allele CA364427384.